The following is an entry in ClinVar:

ClinVar aggregate classification (germline): Uncertain significance (1 of 4 stars; one submission).

gnomAD v4.1: 2 of 1,614,026 alleles (0.00012%); highest among the groups gnomAD compares: Non-Finnish European, 0.00017%; no homozygotes.

Submission:

Labcorp Genetics (formerly Invitae), Labcorp
Classification: Uncertain significance. Last evaluated: 2024-03-04. Review status: criteria provided, single submitter. Criteria: Invitae Variant Classification Sherloc (09022015). Collection method: clinical testing. Allele origin: germline.
Comment: This sequence change replaces aspartic acid, which is acidic and polar, with glutamic acid, which is acidic and polar, at codon 678 of the CACNA2D4 protein (p.Asp678Glu). This variant is not present in population databases (gnomAD no frequency). This variant has not been reported in the literature in individuals affected with CACNA2D4-related conditions. An algorithm developed to predict the effect of missense changes on protein structure and function (PolyPhen-2) suggests that this variant is likely to be tolerated. In summary, the available evidence is currently insufficient to determine the role of this variant in disease. Therefore, it has been classified as a Variant of Uncertain Significance.

NM_172364.5(CACNA2D4):c.2034C>A (p.Asp678Glu)

Gene: CACNA2D4 (calcium voltage-gated channel auxiliary subunit alpha2delta 4; minus strand). Cytogenetic location: 12p13.33.
Variant type: single nucleotide variant.
Coding change: c.2034C>A on transcript NM_172364.5 (MANE Select); coding-DNA position 2034, C replaced by A.
Protein change: p.Asp678Glu; replaces aspartic acid 678 with glutamic acid.
Molecular consequence: missense variant.
Genome position (GRCh38, 1-based): chr12:1,856,204, G>T on the plus strand (C>A on the coding strand, the complement: CACNA2D4 is on the minus strand). VCF-style: chr12-1856204-G-T. GRCh37 (hg19) VCF-style: chr12-1965370-G-T.
Other names: short protein forms D678E.
Identifiers: ClinVar variation 3681438 (VCV003681438.2).
Genomic context (GRCh38, chr12:1,856,204, plus strand): 5'-ATTCCACCTGTCTCCCTCCCATTTTTTACTCCTCACTTACCAGTCACCGGCCAGGGCCAG[G>T]TCTGGGTGAAGCAAGTCATGCAGGCCTGAAACCAGAGTCCACATTCAGGGTGATGCTCCC-3'
Protein context (NP_758952.4, residues 668-688): EEGLHDLLHP[Asp678Glu]LALAGDWIYC